The following is an entry in ClinVar:

NM_014271.4(IL1RAPL1):c.1784C>T (p.Ala595Val)

Gene: IL1RAPL1 (interleukin 1 receptor accessory protein like 1; plus strand). Cytogenetic location: Xp21.2.
Variant type: single nucleotide variant.
Coding change: c.1784C>T on transcript NM_014271.4 (MANE Select); coding-DNA position 1784, C replaced by T.
Protein change: p.Ala595Val; replaces alanine 595 with valine.
Molecular consequence: missense variant.
Genome position (GRCh38, 1-based): chrX:29,955,513, C>T. VCF-style: chrX-29955513-C-T. GRCh37 (hg19) VCF-style: chrX-29973630-C-T.
Other names: short protein forms A595V.
Identifiers: ClinVar variation 2573776 (VCV002573776.4), dbSNP rs2518941252, ClinGen allele CA412635036.

ClinVar aggregate classification (germline): Uncertain significance. Review status: criteria provided, multiple submitters, no conflicts (2 of 4 stars). 2 submissions from 2 submitters: Uncertain significance (2). Last evaluated 2025-06-03.

Submissions (2):

Women's Health and Genetics/Laboratory Corporation of America, LabCorp
Classification: Uncertain significance. Last evaluated: 2025-06-03. Review status: criteria provided, single submitter. Criteria: LabCorp Variant Classification Summary - May 2015. Collection method: clinical testing. Allele origin: germline.
Comment: Variant summary: IL1RAPL1 c.1784C>T (p.Ala595Val) results in a non-conservative amino acid change in the encoded protein sequence. Algorithms developed to predict the effect of missense changes on protein structure and function are either unavailable or do not agree on the potential impact of this missense change. The variant was absent in 179759 control chromosomes. The available data on variant occurrences in the general population are insufficient to allow any conclusion about variant significance. To our knowledge, no occurrence of c.1784C>T in individuals affected with Intellectual disability, X-linked 21 and no experimental evidence demonstrating its impact on protein function have been reported. ClinVar contains an entry for this variant (Variation ID: 2573776). Based on the evidence outlined above, the variant was classified as uncertain significance.

GeneDx
Classification: Uncertain significance. Last evaluated: 2023-01-18. Review status: criteria provided, single submitter. Criteria: GeneDx Variant Classification Process June 2021. Collection method: clinical testing. Allele origin: germline. Affected: yes.
Comment: Not observed at significant frequency in large population cohorts (gnomAD); In silico analysis supports that this missense variant does not alter protein structure/function; Has not been previously published as pathogenic or benign to our knowledge